The following is an entry in ClinVar:

ClinVar aggregate classification (germline): Pathogenic (0 of 4 stars; one submission).

Conditions:
Microcephaly 3, primary, autosomal recessive. Identifiers: Orphanet 2512, MedGen C1858108, MONDO:0011488, OMIM 604804.

Submission:

Human Molecular Genetics and Metabolic Disorders, Pakistan Institute for Engineering and Applied Science (PIEAS)
Classification: Pathogenic for Microcephaly 3, primary, autosomal recessive. Review status: no assertion criteria provided. Collection method: research. Allele origin: germline. Inheritance: Autosomal recessive inheritance. Affected: yes. Observed: 7 variant alleles, 4 heterozygotes, 3 homozygotes.
Comment: Identified in a consanguineous Pakistani family with primary microcephaly with speech impairment and sparse eyebrows.

Literature cited by the submitters: PubMed 28778786.

NM_018249.6(CDK5RAP2):c.5127_5128dup (p.Ser1710fs)

Gene: CDK5RAP2 (CDK5 regulatory subunit associated protein 2; minus strand). Cytogenetic location: 9q33.2.
Variant type: Microsatellite.
Coding change: c.5127_5128dup on transcript NM_018249.6 (MANE Select); coding-DNA positions 5127 to 5128, 2 bases duplicated (GT; older notation c.5127_5128dupGT).
Protein change: p.Ser1710fs; shifts the reading frame from serine 1710.
Molecular consequence: frameshift variant. On other transcripts: non-coding transcript variant (5).
Genome position (GRCh38, 1-based): chr9:120,402,985-120,402,986, AC duplicated on the plus strand (GT on the coding strand, the reverse complement: CDK5RAP2 is on the minus strand); duplicating any 2 consecutive bases within chr9:120,402,985-120,402,992 gives the same sequence; the c. name uses the placement nearest the transcript's 3' end. VCF-style (leftmost placement, unchanged base first): chr9-120402984-G-GAC. GRCh37 (hg19) VCF-style: chr9-123165262-G-GAC.
Other names: c.4890_4891dup, p.Ser1631fs (NM_001011649.3); c.4437_4438dup, p.Ser1480fs (NM_001272039.2); short protein forms S1480fs, S1631fs, S1710fs.
Identifiers: ClinVar variation 430628 (VCV000430628.2), dbSNP rs1554728351, ClinGen allele CA658683549.